The following is an entry in ClinVar:

NM_016734.3(PAX5):c.1036T>C (p.Tyr346His)

Gene: PAX5 (paired box 5; minus strand). Cytogenetic location: 9p13.2.
Variant type: single nucleotide variant.
Coding change: c.1036T>C on transcript NM_016734.3 (MANE Select); coding-DNA position 1036, T replaced by C.
Protein change: p.Tyr346His; replaces tyrosine 346 with histidine.
Molecular consequence: missense variant. On other transcripts: synonymous variant (1), non-coding transcript variant (2), intron variant (5).
Genome position (GRCh38, 1-based): chr9:36,846,906, A>G on the plus strand (T>C on the coding strand, the complement: PAX5 is on the minus strand). VCF-style: chr9-36846906-A-G. GRCh37 (hg19) VCF-style: chr9-36846903-A-G.
Other names: c.934T>C, p.Tyr312His (NM_001280547.2); c.804T>C, p.Pro268= (NM_001280549.2); c.907T>C, p.Tyr303His (NM_001280554.2); c.736T>C, p.Tyr246His (NM_001280555.2); c.712T>C, p.Tyr238His (NM_001280556.2); c.587-6270T>C (NM_001280551.2); c.884-6270T>C (NM_001280553.2); c.781-6270T>C (NM_001280550.2); and 2 more; short protein forms Y303H, Y346H, Y246H, Y238H, Y312H.
Identifiers: ClinVar variation 5026315 (VCV005026315.1).

ClinVar aggregate classification (germline): Uncertain significance (1 of 4 stars; one submission).

Conditions:
Inborn genetic diseases. Identifiers: MedGen C0950123, MeSH D030342.

gnomAD v4.1: 1 of 1,613,910 alleles (0.000062%); highest among the groups gnomAD compares: Non-Finnish European, 0.000085%; no homozygotes.

Submission:

Ambry Genetics
Classification: Uncertain significance for Inborn genetic diseases. Last evaluated: 2026-08-18. Review status: criteria provided, single submitter. Criteria: Ambry Variant Classification Scheme 2023. Collection method: clinical testing. Allele origin: germline.
Comment: The p.Y346H variant (also known as c.1036T>C), located in coding exon 9 of the PAX5 gene, results from a T to C substitution at nucleotide position 1036. The tyrosine at codon 346 is replaced by histidine, an amino acid with similar properties. This amino acid position is conserved. In addition, the in silico prediction for this alteration is inconclusive. Based on the available evidence, the clinical significance of this variant remains unclear.